The following is an entry in ClinVar:

NM_000179.3(MSH6):c.1532G>A (p.Arg511Lys)

Gene: MSH6 (mutS homolog 6; plus strand). Cytogenetic location: 2p16.3.
Variant type: single nucleotide variant.
Coding change: c.1532G>A on transcript NM_000179.3 (MANE Select); coding-DNA position 1532, G replaced by A.
Protein change: p.Arg511Lys; replaces arginine 511 with lysine.
Molecular consequence: missense variant. On other transcripts: non-coding transcript variant (4), intron variant (1).
Genome position (GRCh38, 1-based): chr2:47,799,515, G>A. VCF-style: chr2-47799515-G-A. GRCh37 (hg19) VCF-style: chr2-48026654-G-A.
Other names: c.1235G>A, p.Arg412Lys (NM_001406818.1, NM_001406819.1, NM_001406820.1 and 10 more transcripts); c.626G>A, p.Arg209Lys (NM_001406823.1, NM_001281493.2, NM_001281494.2 and 6 more transcripts); c.1364G>A, p.Arg455Lys (NM_001406826.1); c.1142G>A, p.Arg381Lys (NM_001281492.2); c.1628G>A, p.Arg543Lys (NM_001406795.1, NM_001406802.1); c.1532G>A, p.Arg511Lys (NM_001406796.1, NM_001406798.1, NM_001406800.1 and 4 more transcripts); c.1007G>A, p.Arg336Lys (NM_001406799.1, NM_001406806.1, NM_001406807.1); c.1454G>A, p.Arg485Lys (NM_001406804.1); and 2 more; short protein forms R209K, R336K, R381K, R412K, R455K, R485K, R511K, R513K.
Identifiers: ClinVar variation 3070919 (VCV003070919.3), dbSNP rs2104349929, ClinGen allele CA346746499.

ClinVar aggregate classification (germline): Uncertain significance. Review status: criteria provided, multiple submitters, no conflicts (2 of 4 stars). 2 submissions from 2 submitters: Uncertain significance (2). Last evaluated 2024-02-21.

Conditions:
Hereditary nonpolyposis colorectal neoplasms. Identifiers: MedGen C0009405, MeSH D003123.
Lynch syndrome. Identifiers: Orphanet 144, MedGen C4552100, MONDO:0005835. Disease mechanism: loss of function.

Submissions (2):

Labcorp Genetics (formerly Invitae), Labcorp
Classification: Uncertain significance for Hereditary nonpolyposis colorectal neoplasms. Last evaluated: 2024-02-21. Review status: criteria provided, single submitter. Criteria: Invitae Variant Classification Sherloc (09022015). Collection method: clinical testing. Allele origin: germline.
Comment: This sequence change replaces arginine, which is basic and polar, with lysine, which is basic and polar, at codon 511 of the MSH6 protein (p.Arg511Lys). This variant is not present in population databases (gnomAD no frequency). This variant has not been reported in the literature in individuals affected with MSH6-related conditions. Advanced modeling of protein sequence and biophysical properties (such as structural, functional, and spatial information, amino acid conservation, physicochemical variation, residue mobility, and thermodynamic stability) performed at Invitae indicates that this missense variant is expected to disrupt MSH6 protein function with a positive predictive value of 95%. In summary, the available evidence is currently insufficient to determine the role of this variant in disease. Therefore, it has been classified as a Variant of Uncertain Significance.

All of Us Research Program, National Institutes of Health
Classification: Uncertain significance for Lynch syndrome. Last evaluated: 2023-05-08. Review status: criteria provided, single submitter. Criteria: ACMG Guidelines, 2015. Collection method: clinical testing. Allele origin: germline. Inheritance: Autosomal dominant inheritance. Observed: 1 variant allele, 1 heterozygote.
Comment: This study involves interpretation of variants in research participants for the purpose of population health screening. Participant phenotype was not available at the time of variant classification. Additional details can be found in publication PMID: 35346344, PMCID: PMC8962531